The following is an entry in ClinVar:

ClinVar aggregate classification (germline): Uncertain significance. Review status: criteria provided, multiple submitters, no conflicts (2 of 4 stars). 3 submissions from 3 submitters: Uncertain significance (3). Last evaluated 2025-02-18.

Conditions:
Inborn genetic diseases. Identifiers: MedGen C0950123, MeSH D030342.

Allele frequency attached by ClinVar (database versions not stated): TOPMed below 0.00001.

Submissions (3):

Ambry Genetics
Classification: Uncertain significance for Inborn genetic diseases. Last evaluated: 2025-02-18. Review status: criteria provided, single submitter. Criteria: Ambry Variant Classification Scheme 2023. Collection method: clinical testing. Allele origin: germline.
Comment: The p.Y931S variant (also known as c.2792A>C), located in coding exon 1 of the SAMD9L gene, results from an A to C substitution at nucleotide position 2792. The tyrosine at codon 931 is replaced by serine, an amino acid with dissimilar properties. This amino acid position is conserved. In addition, the in silico prediction for this alteration is inconclusive. Based on the available evidence, the clinical significance of this variant remains unclear.

Labcorp Genetics (formerly Invitae), Labcorp
Classification: Uncertain significance. Last evaluated: 2024-03-20. Review status: criteria provided, single submitter. Criteria: Invitae Variant Classification Sherloc (09022015). Collection method: clinical testing. Allele origin: germline.
Comment: This sequence change replaces tyrosine, which is neutral and polar, with serine, which is neutral and polar, at codon 931 of the SAMD9L protein (p.Tyr931Ser). This variant is present in population databases (no rsID available, gnomAD 0.002%). This variant has not been reported in the literature in individuals affected with SAMD9L-related conditions. ClinVar contains an entry for this variant (Variation ID: 1460712). Advanced modeling of protein sequence and biophysical properties (such as structural, functional, and spatial information, amino acid conservation, physicochemical variation, residue mobility, and thermodynamic stability) performed at Invitae indicates that this missense variant is expected to disrupt SAMD9L protein function with a positive predictive value of 80%. In summary, the available evidence is currently insufficient to determine the role of this variant in disease. Therefore, it has been classified as a Variant of Uncertain Significance.

Blueprint Genetics
Classification: Uncertain significance. Last evaluated: 2021-08-06. Review status: criteria provided, single submitter. Criteria: ACMG Guidelines, 2015. Collection method: clinical testing. Allele origin: germline.

NM_152703.5(SAMD9L):c.2792A>C (p.Tyr931Ser)

Gene: SAMD9L (sterile alpha motif domain containing 9 like; minus strand). Cytogenetic location: 7q21.2.
Variant type: single nucleotide variant.
Coding change: c.2792A>C on transcript NM_152703.5 (MANE Select); coding-DNA position 2792, A replaced by C.
Protein change: p.Tyr931Ser; replaces tyrosine 931 with serine.
Molecular consequence: missense variant.
Genome position (GRCh38, 1-based): chr7:93,133,180, T>G on the plus strand (A>C on the coding strand, the complement: SAMD9L is on the minus strand). VCF-style: chr7-93133180-T-G. GRCh37 (hg19) VCF-style: chr7-92762493-T-G.
Other names: c.2792A>C (NM_152703.2); c.2792A>C, p.Tyr931Ser (NM_001303496.3, NM_001303497.3, NM_001303498.3 and 5 more transcripts); short protein forms Y931S.
Identifiers: ClinVar variation 1460712 (VCV001460712.10), dbSNP rs960927778, ClinGen allele CA161960038.
Genomic context (GRCh38, chr7:93,133,180, plus strand): 5'-GTGTATATGATTCCCAAAAATATTTCACACTGTGAAACTGAAATTGTAGAGTCAGTAACA[T>G]AAGAGCTGAGTAAAGCCAGGAAGGAAATGAGTTGTGCTTCCTTGCTGTCAACATCCTGTC-3'
Protein context (NP_689916.2, residues 921-941): LISFLALLSS[Tyr931Ser]VTDSTISVSQ